The following is an entry in ClinVar:

ClinVar aggregate classification (germline): Pathogenic/Likely pathogenic. Review status: criteria provided, multiple submitters, no conflicts (2 of 4 stars). 9 submissions from 9 submitters: Pathogenic (5); Likely pathogenic (3). 1 of the submissions does not count toward it. Last evaluated 2026-08-03.

Conditions:
LPL-related disorder. Also called: LPL-related condition.
Hyperlipoproteinemia, type I. Also called: Hyperlipoproteinemia type 1; Hyperchylomicro-nemia familial; Familial chylomicronemia; Hyperlipemia idiopathic Burger-Grutz type; Familial hyperlipo-proteinemia type 1; Hyperlipemia essential familial. Identifiers: Orphanet 309015, Orphanet 444490, MedGen C0023817, MONDO:0009387, OMIM 238600. Disease mechanism: loss of function.
Hyperlipidemia, familial combined, LPL related (FCHL3). Also called: Hyperapobetalipoproteinemia. Identifiers: MedGen C0020474, MONDO:0007759, OMIM 144250, HP:0008158.

Allele frequency attached by ClinVar (database versions not stated): TOPMed below 0.00001; gnomAD 0.00001; gnomAD exomes 0.00001.
gnomAD v4.1: 10 of 1,614,050 alleles (0.00062%); highest among the groups gnomAD compares: Non-Finnish European, 0.00076%; no homozygotes.

Submissions (9):

PreventionGenetics, part of Exact Sciences
Classification: Pathogenic for LPL-related condition. Last evaluated: 2026-08-03. Review status: criteria provided, single submitter. Criteria: ACMG Guidelines, 2015. Collection method: clinical testing. Allele origin: germline.
Comment: The LPL c.337T>C variant is predicted to result in the amino acid substitution p.Trp113Arg. This variant is also described using legacy nomenclature as p.Trp86Arg, and has been reported to be pathogenic for autosomal recessive familial chylomicronemia with functional experiments showing it affects LPL activity (See for example: Ishimura-Oka et al. 1992. PubMed ID: 1598907; Reina et al. 1992. PubMed ID: 1479292; Pasalić et al. 2004. PubMed ID: 15115692; Caddeo et al. 2017. PubMed ID: 29288010). This variant has also been reported as heterozygous state in individuals with hypertriglyceridemia (See for example: Mendes et al. 2024. PubMed ID: 38933898). This variant is reported in 0.0065% of alleles in individuals of European (Non-Finnish) descent in gnomAD. This variant is interpreted as pathogenic.

Institute of Human Genetics, University of Leipzig Medical Center
Classification: Likely pathogenic for Hyperlipidemia, familial combined, LPL related. Last evaluated: 2025-04-03. Review status: criteria provided, single submitter. Criteria: ACMG Guidelines, 2015. Collection method: clinical testing. Allele origin: unknown. Inheritance: Autosomal dominant inheritance. Affected: yes.
Comment: Criteria applied: PS3,PS4_SUP,PM2_SUP,PM5_SUP,PP3,PP4

Natera, Inc.
Classification: Likely pathogenic for Lipoprotein lipase deficiency. Last evaluated: 2024-09-12. Review status: criteria provided, single submitter. Criteria: Natera Variant Classification Schema (03/2026). Collection method: clinical testing. Allele origin: germline.
Comment: The c.337T>C variant in LPL is a missense variant predicted to cause substitution of tryptophan to arginine at amino acid 113. This variant is rare in the general population with a frequency below the threshold expected for the associated phenotype(s). This variant has been observed in one or more individuals affected with the associated recessive disease, as either homozygous or compound heterozygous with a second variant (PMID: 19000906, 1598907). Functional studies show that this variant may disrupt protein function (PMID: 29288010). Computational prediction algorithms indicate this variant is likely to affect gene or protein function. Given the available evidence, this variant is classified as Likely Pathogenic.

Blueprint Genetics
Classification: Pathogenic for LPL-related disorders. Last evaluated: 2024-05-31. Review status: criteria provided, single submitter. Criteria: ACMG Guidelines, 2015. Collection method: clinical testing. Allele origin: germline. Affected: yes. Observed: 3 variant alleles.

Fulgent Genetics
Classification: Likely pathogenic for Hyperlipidemia, familial combined, LPL related; Hyperlipoproteinemia, type I. Last evaluated: 2024-03-05. Review status: criteria provided, single submitter. Criteria: ACMG Guidelines, 2015. Collection method: clinical testing. Allele origin: germline.

Labcorp Genetics (formerly Invitae), Labcorp
Classification: Pathogenic. Last evaluated: 2024-02-23. Review status: criteria provided, single submitter. Criteria: Invitae Variant Classification Sherloc (09022015). Collection method: clinical testing. Allele origin: germline.
Comment: This sequence change replaces tryptophan, which is neutral and slightly polar, with arginine, which is basic and polar, at codon 113 of the LPL protein (p.Trp113Arg). This variant is present in population databases (rs118204069, gnomAD 0.007%). This missense change has been observed in individual(s) with clinical features of lipoprotein lipase deficiency (PMID: 1598907, 28951076). In at least one individual the data is consistent with being in trans (on the opposite chromosome) from a pathogenic variant. This variant is also known as p.Trp86Arg. ClinVar contains an entry for this variant (Variation ID: 1540). Advanced modeling of protein sequence and biophysical properties (such as structural, functional, and spatial information, amino acid conservation, physicochemical variation, residue mobility, and thermodynamic stability) performed at Invitae indicates that this missense variant is expected to disrupt LPL protein function with a positive predictive value of 80%. Experimental studies have shown that this missense change affects LPL function (PMID: 1598907, 27097985). For these reasons, this variant has been classified as Pathogenic.

Dasa
Classification: Pathogenic for Hyperlipidemia, familial combined, LPL related. Last evaluated: 2022-02-14. Review status: criteria provided, single submitter. Criteria: ACMG Guidelines, 2015. Collection method: clinical testing. Allele origin: germline. Affected: yes. Observed: 1 variant allele.
Comment: The c.337T>C;p.(Trp113Arg) missense variant has been observed in affected individual(s) and ClinVar contains an entry for this variant (Clinvar ID: 1540; PMID: 1479292; 28951076; 1598907) - PS4. The variant is present at low allele frequencies population databases (rs118204069 - gnomAD 0.00006572%; ABraOM no frequency) - PM2_supporting. The p.(Trp113Arg) was detected in trans with a pathogenic variant (PMID: 1479292; 28951076; 1598907) - PM3_strong. The variant co-segregated with disease in multiple affected family members (PMID: 1598907) - PP1. Multiple lines of computational evidence support a deleterious effect on the gene or gene product - PP3. In summary, the currently available evidence indicates that the variant is pathogenic.

Centre for Mendelian Genomics, University Medical Centre Ljubljana
Classification: Pathogenic for Hyperlipidemia, familial combined, LPL related. Last evaluated: 2019-12-02. Review status: criteria provided, single submitter. Criteria: ACMG Guidelines, 2015. Collection method: clinical testing. Allele origin: unknown. Affected: yes.
Comment: This variant was classified as: Pathogenic. The following ACMG criteria were applied in classifying this variant: PS1,PS3,PM2,PP2,PP3.

OMIM
Classification: Pathogenic for LIPOPROTEIN LIPASE DEFICIENCY. Last evaluated: 1992-06-01. Review status: no assertion criteria provided. Collection method: literature only. Allele origin: germline. Not counted in ClinVar's aggregate classification.

Literature cited by the submitters: PubMed 19000906 (cited by Natera, Inc.); PubMed 1598907 (cited by 4 submitters); PubMed 29288010 (cited by Natera, Inc.); PubMed 28951076 (cited by Labcorp Genetics (formerly Invitae), Labcorp and Dasa); PubMed 27097985 (cited by Labcorp Genetics (formerly Invitae), Labcorp); PubMed 1479292 (cited by Dasa).

NM_000237.3(LPL):c.337T>C (p.Trp113Arg)

Gene: LPL (lipoprotein lipase; plus strand). Cytogenetic location: 8p21.3.
Variant type: single nucleotide variant.
Coding change: c.337T>C on transcript NM_000237.3 (MANE Select); coding-DNA position 337, T replaced by C.
Protein change: p.Trp113Arg; replaces tryptophan 113 with arginine.
Molecular consequence: missense variant.
Genome position (GRCh38, 1-based): chr8:19,951,856, T>C. VCF-style: chr8-19951856-T-C. GRCh37 (hg19) VCF-style: chr8-19809367-T-C.
Other names: W86R; short protein forms W113R.
Identifiers: ClinVar variation 1540 (VCV000001540.20), dbSNP rs118204069, ClinGen allele CA251878.